The following is an entry in ClinVar:

NM_001360.3(DHCR7):c.1380G>A (p.Glu460=)

Gene: DHCR7 (7-dehydrocholesterol reductase; minus strand). Cytogenetic location: 11q13.4.
Variant type: single nucleotide variant.
Coding change: c.1380G>A on transcript NM_001360.3 (MANE Select); coding-DNA position 1380, G replaced by A.
Protein change: p.Glu460=; no amino-acid change (glutamic acid 460 retained).
Molecular consequence: synonymous variant.
Genome position (GRCh38, 1-based): chr11:71,435,423, C>T on the plus strand (G>A on the coding strand, the complement: DHCR7 is on the minus strand). VCF-style: chr11-71435423-C-T. GRCh37 (hg19) VCF-style: chr11-71146469-C-T.
Other names: c.1380G>A, p.Glu460= (NM_001163817.2).
Identifiers: ClinVar variation 2642105 (VCV002642105.24), dbSNP rs2539207799, ClinGen allele CA475565756.

ClinVar aggregate classification (germline): Likely benign (1 of 4 stars; one submission).

Submission:

CeGaT Center for Human Genetics Tuebingen
Classification: Likely benign. Last evaluated: 2022-04-01. Review status: criteria provided, single submitter. Criteria: CeGaT Center For Human Genetics Tuebingen Variant Classification Criteria Version 2. Collection method: clinical testing. Allele origin: germline. Affected: yes. Observed: 1 variant allele.
Comment: DHCR7: PM2:Supporting, BP4, BP7